The following is an entry in ClinVar:

NM_001134363.3(RBM20):c.3602G>T (p.Gly1201Val)

Gene: RBM20 (RNA binding motif protein 20; plus strand). Cytogenetic location: 10q25.2.
Variant type: single nucleotide variant.
Coding change: c.3602G>T on transcript NM_001134363.3 (MANE Select); coding-DNA position 3602, G replaced by T.
Protein change: p.Gly1201Val; replaces glycine 1201 with valine.
Molecular consequence: missense variant.
Genome position (GRCh38, 1-based): chr10:110,835,896, G>T. VCF-style: chr10-110835896-G-T. GRCh37 (hg19) VCF-style: chr10-112595654-G-T.
Other names: short protein forms G1201V.
Identifiers: ClinVar variation 3689944 (VCV003689944.2).

ClinVar aggregate classification (germline): Uncertain significance (1 of 4 stars; one submission).

Conditions:
Dilated cardiomyopathy 1DD (CMD1DD). Identifiers: Orphanet 154, MedGen C2750995, MONDO:0013168, OMIM 613172.

Submission:

Labcorp Genetics (formerly Invitae), Labcorp
Classification: Uncertain significance for Dilated cardiomyopathy 1DD. Last evaluated: 2024-05-31. Review status: criteria provided, single submitter. Criteria: Invitae Variant Classification Sherloc (09022015). Collection method: clinical testing. Allele origin: germline.
Comment: This sequence change replaces glycine, which is neutral and non-polar, with valine, which is neutral and non-polar, at codon 1201 of the RBM20 protein (p.Gly1201Val). This variant is not present in population databases (gnomAD no frequency). This variant has not been reported in the literature in individuals affected with RBM20-related conditions. Advanced modeling of protein sequence and biophysical properties (such as structural, functional, and spatial information, amino acid conservation, physicochemical variation, residue mobility, and thermodynamic stability) performed at Invitae indicates that this missense variant is not expected to disrupt RBM20 protein function with a negative predictive value of 95%. In summary, the available evidence is currently insufficient to determine the role of this variant in disease. Therefore, it has been classified as a Variant of Uncertain Significance.